The following is an entry in ClinVar:

ClinVar aggregate classification (germline): Uncertain significance (1 of 4 stars; one submission).

gnomAD v4.1: 1 of 1,613,682 alleles (0.000062%); highest among the groups gnomAD compares: African/African-American, 0.0013%; no homozygotes.

Submission:

GeneDx
Classification: Uncertain significance. Last evaluated: 2023-11-18. Review status: criteria provided, single submitter. Criteria: GeneDx Variant Classification Process June 2021. Collection method: clinical testing. Allele origin: germline. Affected: yes.
Comment: Has not been previously published as pathogenic or benign to our knowledge; Not observed at significant frequency in large population cohorts (gnomAD); In silico analysis supports that this missense variant does not alter protein structure/function

NM_016284.5(CNOT1):c.7121G>C (p.Gly2374Ala)

Genes: CNOT1 (CCR4-NOT transcription complex subunit 1; minus strand), SETD6 (SET domain containing 6, protein lysine methyltransferase; plus strand). Cytogenetic location: 16q21.
Variant type: single nucleotide variant.
Coding change: c.7121G>C on transcript NM_016284.5 (MANE Select); coding-DNA position 7121, G replaced by C.
Protein change: p.Gly2374Ala; replaces glycine 2374 with alanine.
Molecular consequence: missense variant. On other transcripts: non-coding transcript variant (1), 3 prime UTR variant (1).
Genome position (GRCh38, 1-based): chr16:58,520,968, C>G on the plus strand (G>C on the coding strand, the complement: CNOT1 is on the minus strand). VCF-style: chr16-58520968-C-G. GRCh37 (hg19) VCF-style: chr16-58554872-C-G.
Other names: c.7106G>C, p.Gly2369Ala (NM_001265612.2); c.*1939C>G (NM_001160305.4); short protein forms G2369A, G2374A.
Identifiers: ClinVar variation 3364592 (VCV003364592.1).